The following is an entry in ClinVar:

ClinVar aggregate classification (germline): Conflicting classifications of pathogenicity. Review status: criteria provided, conflicting classifications (1 of 4 stars). 11 submissions from 9 submitters: Uncertain significance (5); Likely benign (3). 3 of the submissions do not count toward it. Last evaluated 2024-10-24.

Conditions:
Joubert syndrome. Also called: JOUBERT-BOLTSHAUSER SYNDROME; Familial aplasia of the vermis. Identifiers: Orphanet 475, MedGen C5979921, MONDO:0018772.
Meckel-Gruber syndrome. Also called: GRUBER SYNDROME; DYSENCEPHALIA SPLANCHNOCYSTICA; Dysencephalia splachnocystica. Identifiers: Orphanet 564, MedGen C0265215, MONDO:0018921.
Joubert syndrome 7 (JBTS7). Identifiers: Orphanet 220497, MedGen C1969053, MONDO:0012694, OMIM 611560.
Meckel syndrome, type 5 (MKS5). Identifiers: Orphanet 564, MedGen C1969052, MONDO:0012695, OMIM 611561.
COACH syndrome 3. Identifiers: MedGen C5436841, MONDO:0030862, OMIM 619113.
Nephronophthisis 8. Identifiers: MedGen CN119610.

Allele frequency attached by ClinVar (database versions not stated): gnomAD exomes 0.00019 and 0.00037; ExAC 0.00020; TOPMed 0.00027; gnomAD 0.00032 and 0.00033; ESP Exome Variant Server 0.00038.
gnomAD v4.1: 618 of 1,613,078 alleles (0.038%); highest among the groups gnomAD compares: Non-Finnish European, 0.047%; no homozygotes.

Submissions (13):

Blueprint Genetics
Classification: Likely benign. Last evaluated: 2024-10-24. Review status: criteria provided, single submitter. Criteria: ACMG Guidelines, 2015. Collection method: clinical testing. Allele origin: germline.

Fulgent Genetics
Classification: Likely benign for Joubert syndrome 7; Meckel syndrome, type 5; COACH syndrome 3. Last evaluated: 2024-05-16. Review status: criteria provided, single submitter. Criteria: ACMG Guidelines, 2015. Collection method: clinical testing. Allele origin: germline.

Labcorp Genetics (formerly Invitae), Labcorp
Classification: Uncertain significance for Joubert syndrome; Meckel-Gruber syndrome. Last evaluated: 2022-10-24. Review status: criteria provided, single submitter. Criteria: Invitae Variant Classification Sherloc (09022015). Collection method: clinical testing. Allele origin: germline.
Comment: This sequence change affects codon 894 of the RPGRIP1L mRNA. It is a 'silent' change, meaning that it does not change the encoded amino acid sequence of the RPGRIP1L protein. It affects a nucleotide within the consensus splice site. This variant is present in population databases (rs141608712, gnomAD 0.04%). This variant has not been reported in the literature in individuals affected with RPGRIP1L-related conditions. ClinVar contains an entry for this variant (Variation ID: 319655). Algorithms developed to predict the effect of sequence changes on RNA splicing suggest that this variant is not likely to affect RNA splicing. In summary, the available evidence is currently insufficient to determine the role of this variant in disease. Therefore, it has been classified as a Variant of Uncertain Significance.

GeneDx
Classification: Likely benign. Last evaluated: 2018-06-26. Review status: criteria provided, single submitter. Criteria: GeneDx Variant Classification Process June 2021. Collection method: clinical testing. Allele origin: germline. Affected: yes.

Illumina Laboratory Services, Illumina
Classification: Uncertain significance for Meckel syndrome, type 5. Last evaluated: 2018-01-13. Review status: criteria provided, single submitter. Criteria: ICSL Variant Classification Criteria 13 December 2019. Collection method: clinical testing. Allele origin: germline.

Illumina Laboratory Services, Illumina
Classification: Uncertain significance for Nephronophthisis 8. Last evaluated: 2018-01-13. Review status: criteria provided, single submitter. Criteria: ICSL Variant Classification Criteria 13 December 2019. Collection method: clinical testing. Allele origin: germline.

Illumina Laboratory Services, Illumina
Classification: Uncertain significance for Joubert syndrome 7. Last evaluated: 2018-01-13. Review status: criteria provided, single submitter. Criteria: ICSL Variant Classification Criteria 13 December 2019. Collection method: clinical testing. Allele origin: germline.

CeGaT Center for Human Genetics Tuebingen
Classification: Uncertain significance. Last evaluated: 2017-05-01. Review status: criteria provided, single submitter. Criteria: CeGaT Center For Human Genetics Tuebingen Variant Classification Criteria Version 2. Collection method: clinical testing. Allele origin: germline. Affected: yes. Observed: 1 variant allele.

Natera, Inc.
Classification: Uncertain significance for Joubert syndrome. Last evaluated: 2020-04-24. Review status: no assertion criteria provided. Collection method: clinical testing. Allele origin: germline. Not counted in ClinVar's aggregate classification.

Clinical Genetics DNA and cytogenetics Diagnostics Lab, Erasmus MC, Erasmus Medical Center
Classification: Likely benign. Review status: no assertion criteria provided. Collection method: clinical testing. Allele origin: germline. Affected: yes. Study: VKGL Data-share Consensus. Not counted in ClinVar's aggregate classification.

Dr. Peter K. Rogan Lab, Western University
No classification provided (evidence only). Condition: Lung cancer. Review status: no classification provided. Collection method: in vitro. Allele origin: not applicable. Functional consequence: retained intron. Not counted in ClinVar's aggregate classification.

Dr. Peter K. Rogan Lab, Western University
No classification provided (evidence only). Condition: Familial cancer of breast. Review status: no classification provided. Collection method: in vitro. Allele origin: not applicable. Functional consequence: skipped exon. Not counted in ClinVar's aggregate classification.

Laboratory of Diagnostic Genome Analysis, Leiden University Medical Center (LUMC)
Classification: Likely benign. Review status: no assertion criteria provided. Collection method: clinical testing. Allele origin: germline. Affected: yes. Study: VKGL Data-share Consensus. Not counted in ClinVar's aggregate classification.

NM_015272.5(RPGRIP1L):c.2682A>G (p.Ser894=)

Gene: RPGRIP1L (RPGRIP1 like; minus strand). Cytogenetic location: 16q12.2.
Variant type: single nucleotide variant.
Coding change: c.2682A>G on transcript NM_015272.5 (MANE Select); coding-DNA position 2682, A replaced by G.
Protein change: p.Ser894=; no amino-acid change (serine 894 retained).
Molecular consequence: synonymous variant.
Genome position (GRCh38, 1-based): chr16:53,645,626, T>C on the plus strand (A>G on the coding strand, the complement: RPGRIP1L is on the minus strand). VCF-style: chr16-53645626-T-C. GRCh37 (hg19) VCF-style: chr16-53679538-T-C.
Other names: c.2682A>G, p.Ser894= (NM_001127897.4, NM_001308334.3, NM_001330538.2).
Identifiers: ClinVar variation 319655 (VCV000319655.55), dbSNP rs141608712, ClinGen allele CA8057500.